The following is an entry in ClinVar:

ClinVar aggregate classification (germline): Likely benign. Review status: criteria provided, multiple submitters, no conflicts (2 of 4 stars). 3 submissions from 3 submitters: Likely benign (3). Last evaluated 2025-12-28.

Allele frequency attached by ClinVar (database versions not stated): gnomAD exomes 0.00007 and 0.00011; ExAC 0.00009; gnomAD 0.00011 and 0.00013; TOPMed 0.00011.
gnomAD v4.1: 178 of 1,612,950 alleles (0.011%); highest among the groups gnomAD compares: Non-Finnish European, 0.014%; no homozygotes.

Submissions (3):

Labcorp Genetics (formerly Invitae), Labcorp
Classification: Likely benign. Last evaluated: 2025-12-28. Review status: criteria provided, single submitter. Criteria: Invitae Variant Classification Sherloc (09022015). Collection method: clinical testing. Allele origin: germline.

Mayo Clinic Laboratories, Mayo Clinic
Classification: Likely benign. Last evaluated: 2025-10-08. Review status: criteria provided, single submitter. Criteria: ACMG Guidelines, 2015. Collection method: clinical testing. Allele origin: germline. Observed: 1 variant allele.
Comment: BP4, BP7

Blueprint Genetics
Classification: Likely benign. Last evaluated: 2023-06-28. Review status: criteria provided, single submitter. Criteria: ACMG Guidelines, 2015. Collection method: clinical testing. Allele origin: germline.

NM_000434.4(NEU1):c.156T>C (p.Gly52=)

Gene: NEU1 (neuraminidase 1; minus strand). Cytogenetic location: 6p21.33.
Variant type: single nucleotide variant.
Coding change: c.156T>C on transcript NM_000434.4 (MANE Select); coding-DNA position 156, T replaced by C.
Protein change: p.Gly52=; no amino-acid change (glycine 52 retained).
Molecular consequence: synonymous variant.
Genome position (GRCh38, 1-based): chr6:31,862,621, A>G on the plus strand (T>C on the coding strand, the complement: NEU1 is on the minus strand). VCF-style: chr6-31862621-A-G. GRCh37 (hg19) VCF-style: chr6-31830398-A-G.
Other names: p.Gly52=.
Identifiers: ClinVar variation 793937 (VCV000793937.10), dbSNP rs770832801, ClinGen allele CA3725089.